The following is an entry in ClinVar:

NM_001085487.3(MYSM1):c.808G>C (p.Ala270Pro)

Gene: MYSM1 (Myb like, SWIRM and MPN domains 1; minus strand). Cytogenetic location: 1p32.1.
Variant type: single nucleotide variant.
Coding change: c.808G>C on transcript NM_001085487.3 (MANE Select); coding-DNA position 808, G replaced by C.
Protein change: p.Ala270Pro; replaces alanine 270 with proline.
Molecular consequence: missense variant.
Genome position (GRCh38, 1-based): chr1:58,682,236, C>G on the plus strand (G>C on the coding strand, the complement: MYSM1 is on the minus strand). VCF-style: chr1-58682236-C-G. GRCh37 (hg19) VCF-style: chr1-59147908-C-G.
Other names: short protein forms A270P.
Identifiers: ClinVar variation 2747411 (VCV002747411.3), dbSNP rs2524284136, ClinGen allele CA340527995.

ClinVar aggregate classification (germline): Uncertain significance (1 of 4 stars; one submission).

Submission:

Labcorp Genetics (formerly Invitae), Labcorp
Classification: Uncertain significance. Last evaluated: 2023-09-11. Review status: criteria provided, single submitter. Criteria: Invitae Variant Classification Sherloc (09022015). Collection method: clinical testing. Allele origin: germline.
Comment: In summary, the available evidence is currently insufficient to determine the role of this variant in disease. Therefore, it has been classified as a Variant of Uncertain Significance. Advanced modeling of protein sequence and biophysical properties (such as structural, functional, and spatial information, amino acid conservation, physicochemical variation, residue mobility, and thermodynamic stability) performed at Invitae indicates that this missense variant is not expected to disrupt MYSM1 protein function. This variant has not been reported in the literature in individuals affected with MYSM1-related conditions. This variant is not present in population databases (gnomAD no frequency). This sequence change replaces alanine, which is neutral and non-polar, with proline, which is neutral and non-polar, at codon 270 of the MYSM1 protein (p.Ala270Pro).